The following is an entry in ClinVar:

ClinVar aggregate classification (germline): Uncertain significance. Review status: criteria provided, multiple submitters, no conflicts (2 of 4 stars). 2 submissions from 2 submitters: Uncertain significance (2). Last evaluated 2026-02-10.

Conditions:
SPECC1L-related disorder. Also called: SPECC1L-related condition.

Allele frequency attached by ClinVar (database versions not stated): ESP Exome Variant Server 0.00008; gnomAD 0.00009; TOPMed 0.00011; 1000 Genomes Project 30x 0.00016; 1000 Genomes Project 0.00020.
gnomAD v4.1: 157 of 1,613,668 alleles (0.0097%); highest among the groups gnomAD compares: Admixed American, 0.027%; no homozygotes.

Submissions (2):

PreventionGenetics, part of Exact Sciences
Classification: Uncertain significance for SPECC1L-related condition. Last evaluated: 2026-02-10. Review status: criteria provided, single submitter. Criteria: ACMG Guidelines, 2015. Collection method: clinical testing. Allele origin: germline.
Comment: The SPECC1L c.307+6G>A variant is predicted to interfere with splicing. This variant is not predicted to impact splicing based on a splicing prediction program (SpliceAI, Jaganathan K, et al. 2019. PubMed ID: 30661751). To our knowledge, this variant has not been reported in the literature. This variant is reported in 0.020% of alleles in individuals of Latino descent in gnomAD. Although we suspect that this variant may be benign, at this time, the clinical significance of this variant is uncertain due to the absence of conclusive functional and genetic evidence.

Labcorp Genetics (formerly Invitae), Labcorp
Classification: Uncertain significance. Last evaluated: 2021-08-25. Review status: criteria provided, single submitter. Criteria: Invitae Variant Classification Sherloc (09022015). Collection method: clinical testing. Allele origin: germline.
Comment: This sequence change falls in intron 4 of the SPECC1L gene. It does not directly change the encoded amino acid sequence of the SPECC1L protein. It affects a nucleotide within the consensus splice site of the intron. This variant is present in population databases (rs201577668, ExAC 0.03%). This variant has not been reported in the literature in individuals affected with SPECC1L-related conditions. Variants that disrupt the consensus splice site are a relatively common cause of aberrant splicing (PMID: 17576681, 9536098). Algorithms developed to predict the effect of sequence changes on RNA splicing suggest that this variant may disrupt the consensus splice site. In summary, the available evidence is currently insufficient to determine the role of this variant in disease. Therefore, it has been classified as a Variant of Uncertain Significance.

Literature cited by the submitters: PubMed 17576681 (cited by Labcorp Genetics (formerly Invitae), Labcorp); PubMed 9536098 (cited by Labcorp Genetics (formerly Invitae), Labcorp).

NM_015330.6(SPECC1L):c.307+6G>A

Genes: SPECC1L (sperm antigen with calponin homology and coiled-coil domains 1 like; plus strand), SPECC1L-ADORA2A (SPECC1L-ADORA2A readthrough (NMD candidate); plus strand). Cytogenetic location: 22q11.23.
Variant type: single nucleotide variant.
Coding change: c.307+6G>A on transcript NM_015330.6 (MANE Select); 6 bases into the intron after coding-DNA position 307, G replaced by A.
Molecular consequence: intron variant.
Genome position (GRCh38, 1-based): chr22:24,313,472, G>A. VCF-style: chr22-24313472-G-A. GRCh37 (hg19) VCF-style: chr22-24709440-G-A.
Other names: c.307+6G>A (NM_001145468.4, NM_001254732.3, NM_015330.4).
Identifiers: ClinVar variation 1521474 (VCV001521474.6), dbSNP rs201577668, ClinGen allele CA10151918.